The following is an entry in ClinVar:

ClinVar aggregate classification (germline): Uncertain significance (1 of 4 stars; one submission).

gnomAD v4.1: 2 of 1,614,168 alleles (0.00012%); highest among the groups gnomAD compares: African/African-American, 0.0013%; no homozygotes.

Submission:

Dasa
Classification: Uncertain significance. Last evaluated: 2026-05-19. Review status: criteria provided, single submitter. Criteria: DASA Assertion Criteria. Collection method: clinical testing. Allele origin: germline.
Comment: NM_016333.4(SRRM2):c.7346C>T (p.Ser2449Phe) is a missense variant that results in the substitution of serine with phenylalanine. This variant is rare in population databases. The currently available literature and clinical evidence are not sufficient to establish a definitive association between this variant and the reported condition. Therefore, this variant is classified as a variant of uncertain significance.

NM_016333.4(SRRM2):c.7346C>T (p.Ser2449Phe)

Gene: SRRM2 (serine/arginine repetitive matrix 2; plus strand). Cytogenetic location: 16p13.3.
Variant type: single nucleotide variant.
Coding change: c.7346C>T on transcript NM_016333.4 (MANE Select); coding-DNA position 7346, C replaced by T.
Protein change: p.Ser2449Phe; replaces serine 2449 with phenylalanine.
Molecular consequence: missense variant.
Genome position (GRCh38, 1-based): chr16:2,767,874, C>T. VCF-style: chr16-2767874-C-T. GRCh37 (hg19) VCF-style: chr16-2817875-C-T.
Other names: short protein forms S2449F.
Identifiers: ClinVar variation 5020539 (VCV005020539.1).
Genomic context (GRCh38, chr16:2,767,874, plus strand): 5'-CTAGAATGGGCCAGGCTCCTTCACAGTCTCTTCTCCCTCCAGCACAGGATCAGCCGAGGT[C>T]TCCTGTGCCTTCTGCTTTTTCAGACCAATCCCGTTGTTTGATTGCCCAGACCACCCCTGT-3'
Protein context (NP_057417.3, residues 2439-2459): LLPPAQDQPR[Ser2449Phe]PVPSAFSDQS